The following is an entry in ClinVar:

NM_203447.4(DOCK8):c.3509C>T (p.Ala1170Val)

Gene: DOCK8 (dedicator of cytokinesis 8; plus strand). Cytogenetic location: 9p24.3.
Variant type: single nucleotide variant.
Coding change: c.3509C>T on transcript NM_203447.4 (MANE Select); coding-DNA position 3509, C replaced by T.
Protein change: p.Ala1170Val; replaces alanine 1170 with valine.
Molecular consequence: missense variant.
Genome position (GRCh38, 1-based): chr9:407,048, C>T. VCF-style: chr9-407048-C-T. GRCh37 (hg19) VCF-style: chr9-407048-C-T.
Other names: c.3209C>T, p.Ala1070Val (NM_001190458.2); c.3305C>T, p.Ala1102Val (NM_001193536.2); short protein forms A1070V, A1102V, A1170V.
Identifiers: ClinVar variation 648316 (VCV000648316.6), dbSNP rs1239324162, ClinGen allele CA372758558.

ClinVar aggregate classification (germline): Uncertain significance (1 of 4 stars; one submission).

Conditions:
Combined immunodeficiency due to DOCK8 deficiency (HIES2). Also called: HIES autosomal recessive; HYPER-IgE RECURRENT INFECTION SYNDROME 2, AUTOSOMAL RECESSIVE; HYPER-IgE SYNDROME 2, AUTOSOMAL RECESSIVE, WITH RECURRENT INFECTIONS; DOCK8 Deficiency; Hyper-IgE recurrent infection syndrome, autosomal recessive. Identifiers: Orphanet 217390, MedGen C4722305, MONDO:0009478, OMIM 243700.

Allele frequency attached by ClinVar (database versions not stated): gnomAD exomes below 0.00001; TOPMed 0.00001.
gnomAD v4.1: 1 of 1,614,052 alleles (0.000062%); highest among the groups gnomAD compares: Admixed American, 0.0017%; no homozygotes.

Submission:

Labcorp Genetics (formerly Invitae), Labcorp
Classification: Uncertain significance for Combined immunodeficiency due to DOCK8 deficiency. Last evaluated: 2021-09-01. Review status: criteria provided, single submitter. Criteria: Invitae Variant Classification Sherloc (09022015). Collection method: clinical testing. Allele origin: germline.
Comment: This sequence change replaces alanine with valine at codon 1170 of the DOCK8 protein (p.Ala1170Val). The alanine residue is highly conserved and there is a small physicochemical difference between alanine and valine. This variant is not present in population databases (ExAC no frequency). This variant has not been reported in the literature in individuals affected with DOCK8-related conditions. Algorithms developed to predict the effect of missense changes on protein structure and function (SIFT, PolyPhen-2, Align-GVGD) all suggest that this variant is likely to be tolerated. In summary, the available evidence is currently insufficient to determine the role of this variant in disease. Therefore, it has been classified as a Variant of Uncertain Significance.